The following is an entry in ClinVar:

ClinVar aggregate classification (germline): Uncertain significance (1 of 4 stars; one submission).

Conditions:
Microcephaly 21, primary, autosomal recessive. Identifiers: MedGen C4693831, MONDO:0054804, OMIM 617983.

Submission:

Laboratorio de Genetica e Diagnostico Molecular, Hospital Israelita Albert Einstein
Classification: Uncertain significance for Microcephaly 21, primary, autosomal recessive. Last evaluated: 2022-05-25. Review status: criteria provided, single submitter. Criteria: ACMG Guidelines, 2015. Collection method: clinical testing. Allele origin: germline. Affected: yes. Observed: 1 variant allele.
Comment: ACMG classification criteria: PM2 moderated

NM_014865.4(NCAPD2):c.3054_3057del (p.Leu1019fs)

Gene: NCAPD2 (non-SMC condensin I complex subunit D2; plus strand). Cytogenetic location: 12p13.31.
Variant type: Deletion.
Coding change: c.3054_3057del on transcript NM_014865.4 (MANE Select); coding-DNA positions 3054 to 3057, 4 bases deleted (GCTT; older notation c.3054_3057delGCTT).
Protein change: p.Leu1019fs; shifts the reading frame from leucine 1019.
Molecular consequence: frameshift variant.
Genome position (GRCh38, 1-based): chr12:6,528,002-6,528,005, GCTT deleted; deleting any 4 consecutive bases within chr12:6,527,999-6,528,005 gives the same sequence; the c. name uses the placement nearest the transcript's 3' end. VCF-style (leftmost placement, unchanged base first): chr12-6527998-TCTTG-T. GRCh37 (hg19) VCF-style: chr12-6637164-TCTTG-T.
Other names: short protein forms L1019fs.
Identifiers: ClinVar variation 2431533 (VCV002431533.1), dbSNP rs1946332186, ClinGen allele CA478507128.